The following is an entry in ClinVar:

ClinVar aggregate classification (germline): Pathogenic (1 of 4 stars; one submission).

Submission:

CeGaT Center for Human Genetics Tuebingen
Classification: Pathogenic. Last evaluated: 2025-05-01. Review status: criteria provided, single submitter. Criteria: CeGaT Center For Human Genetics Tuebingen Variant Classification Criteria Version 2. Collection method: clinical testing. Allele origin: germline. Affected: yes. Observed: 1 variant allele.
Comment: KCNQ2: PVS1, PM2

NM_172107.4(KCNQ2):c.912del (p.Phe305fs)

Gene: KCNQ2 (potassium voltage-gated channel subfamily Q member 2; minus strand). Cytogenetic location: 20q13.33.
Variant type: Deletion.
Coding change: c.912del on transcript NM_172107.4 (MANE Select); coding-DNA position 912, one base deleted (C; older notation c.912delC).
Protein change: p.Phe305fs; shifts the reading frame from phenylalanine 305.
Molecular consequence: frameshift variant.
Genome position (GRCh38, 1-based): chr20:63,439,613, G deleted on the plus strand (C on the coding strand, the reverse complement: KCNQ2 is on the minus strand). VCF-style (leftmost placement, unchanged base first): chr20-63439612-AG-A. GRCh37 (hg19) VCF-style: chr20-62070965-AG-A.
Other names: c.912del, p.Phe305fs (NM_001382235.1, NM_004518.6, NM_172106.3 and 2 more transcripts); short protein forms F305fs.
Identifiers: ClinVar variation 3905394 (VCV003905394.10).